The following is an entry in ClinVar:

NM_177438.3(DICER1):c.4637dup (p.Tyr1546Ter)

Gene: DICER1 (dicer 1, ribonuclease III; minus strand). Cytogenetic location: 14q32.13.
Variant type: Duplication.
Coding change: c.4637dup on transcript NM_177438.3 (MANE Select); coding-DNA position 4637, one base duplicated (A; older notation c.4637dupA).
Protein change: p.Tyr1546Ter; replaces tyrosine 1546 with a stop codon.
Molecular consequence: nonsense.
Genome position (GRCh38, 1-based): chr14:95,096,283, T duplicated on the plus strand (A on the coding strand, the reverse complement: DICER1 is on the minus strand). VCF-style (leftmost placement, unchanged base first): chr14-95096282-G-GT. GRCh37 (hg19) VCF-style: chr14-95562619-G-GT.
Other names: c.4637dupA (NM_177438.2); c.4637dup, p.Tyr1546Ter (NM_001195573.1, NM_001271282.3, NM_001291628.2 and 1 more transcripts); short protein forms Y1546*.
Identifiers: ClinVar variation 429152 (VCV000429152.6), dbSNP rs1131691221, ClinGen allele CA645369611.

ClinVar aggregate classification (germline): Pathogenic. Review status: criteria provided, multiple submitters, no conflicts (2 of 4 stars). 2 submissions from 2 submitters: Pathogenic (2). Last evaluated 2025-09-22.

Conditions:
DICER1-related tumor predisposition. Also called: DICER1-related pleuropulmonary blastoma cancer predisposition syndrome; DICER1 syndrome. Identifiers: Orphanet 284343, MedGen C3839822, MONDO:0100216.
Hereditary cancer-predisposing syndrome. Also called: Hereditary neoplastic syndrome; Tumor predisposition; Neoplastic Syndromes, Hereditary; Hereditary Cancer Syndrome. Identifiers: Orphanet 140162, MedGen C0027672, MeSH D009386, MONDO:0015356.

Submissions (2):

Labcorp Genetics (formerly Invitae), Labcorp
Classification: Pathogenic for DICER1-related tumor predisposition. Last evaluated: 2025-09-22. Review status: criteria provided, single submitter. Criteria: Invitae Variant Classification Sherloc (09022015). Collection method: clinical testing. Allele origin: germline.
Comment: This sequence change creates a premature translational stop signal (p.Tyr1546*) in the DICER1 gene. It is expected to result in an absent or disrupted protein product. Loss-of-function variants in DICER1 are known to be pathogenic (PMID: 19556464, 21266384). This variant is not present in population databases (gnomAD no frequency). This variant has not been reported in the literature in individuals affected with DICER1-related conditions. ClinVar contains an entry for this variant (Variation ID: 429152). For these reasons, this variant has been classified as Pathogenic.

Ambry Genetics
Classification: Pathogenic for Hereditary cancer-predisposing syndrome. Last evaluated: 2016-10-28. Review status: criteria provided, single submitter. Criteria: Ambry Variant Classification Scheme 2023. Collection method: clinical testing. Allele origin: germline.
Comment: The c.4637dupA pathogenic mutation (also known as p.Y1546*), located in coding exon 22 of the DICER1 gene, results from a duplication of A at nucleotide position 4637, causing a translational frameshift and an alternate stop codon at position 1546. This alteration is expected to result in loss of function by premature protein truncation or nonsense-mediated mRNA decay. As such, this alteration is interpreted as a disease-causing mutation.

Literature cited by the submitters: PubMed 19556464 (cited by Labcorp Genetics (formerly Invitae), Labcorp); PubMed 21266384 (cited by Labcorp Genetics (formerly Invitae), Labcorp).